The following is an entry in ClinVar:

ClinVar aggregate classification (germline): Pathogenic. Review status: criteria provided, single submitter (1 of 4 stars). 2 submissions from 2 submitters: Pathogenic (1). 1 of the submissions does not count toward it. Last evaluated 2026-05-06.

Conditions:
Hereditary cancer-predisposing syndrome. Also called: Neoplastic Syndromes, Hereditary; Hereditary Cancer Syndrome; Tumor predisposition; Hereditary neoplastic syndrome. Identifiers: Orphanet 140162, MedGen C0027672, MeSH D009386, MONDO:0015356.
Pheochromocytoma. Also called: MAX-Related Hereditary Paraganglioma-Pheochromocytoma Syndrome. Identifiers: Orphanet 29072, MedGen C0031511, MONDO:0008233, OMIM 171300, HP:0002666.

Submissions (2):

Ambry Genetics
Classification: Pathogenic for Hereditary cancer-predisposing syndrome. Last evaluated: 2026-05-06. Review status: criteria provided, single submitter. Criteria: Ambry Variant Classification Scheme 2023. Collection method: clinical testing. Allele origin: germline.
Comment: The c.386delT pathogenic mutation, located in coding exon 4 of the SDHD gene, results from a deletion of one nucleotide at nucleotide position 386, causing a translational frameshift with a predicted alternate stop codon (p.L129Wfs*6). This variant occurs at the 3' terminus of the gene, is not expected to trigger nonsense-mediated mRNA decay, and impacts the last 19% of the protein. However, premature stop codons are typically deleterious in nature and a significant portion of the protein is affected and the impacted region is critical for protein function (Ambry internal data). This variant was reported in individual(s) with features consistent with SDHD-related hereditary pheochromocytoma-paraganglioma (Pandit R et al. Eur J Endocrinol, 2016 Oct;175:311-23; Ambry internal data). This variant is considered to be rare based on population cohorts in the Genome Aggregation Database (gnomAD). Based on the supporting evidence, this variant is interpreted as a disease-causing mutation.

Endocrinology Clinic, Seth G.S. Medical College
Classification: Likely pathogenic for Pheochromocytoma. Last evaluated: 2016-01-01. Review status: no assertion criteria provided. Collection method: research. Allele origin: germline. Inheritance: Autosomal dominant inheritance. Affected: yes. Study: Spectrum of Germline Mutations in Indian Patients with Pheochromocytoma/ Paraganglioma (PHEO/PGL). Not counted in ClinVar's aggregate classification.

Literature cited by the submitters: PubMed 27539324 (cited by Ambry Genetics).

NM_003002.4(SDHD):c.386del (p.Leu129fs)

Gene: SDHD (succinate dehydrogenase complex subunit D; plus strand). Cytogenetic location: 11q23.1.
Variant type: Deletion.
Coding change: c.386del on transcript NM_003002.4 (MANE Select); coding-DNA position 386, one base deleted (T; older notation c.386delT).
Protein change: p.Leu129fs; shifts the reading frame from leucine 129.
Molecular consequence: frameshift variant. On other transcripts: 3 prime UTR variant (1), non-coding transcript variant (1).
Genome position (GRCh38, 1-based): chr11:112,094,876, T deleted; the last of 4 consecutive T bases (chr11:112,094,873-112,094,876); deleting any one gives the same sequence. VCF-style (leftmost placement, unchanged base first): chr11-112094872-CT-C. GRCh37 (hg19) VCF-style: chr11-111965596-CT-C.
Other names: c.386_386delT (NM_003002.3); c.386delT (NM_003002.2); c.241del, p.Trp81fs (NM_001276503.2); c.269del, p.Leu90fs (NM_001276504.2); c.*84del (NM_001276506.2); short protein forms L129fs, L90fs, W81fs.
Identifiers: ClinVar variation 219161 (VCV000219161.2), dbSNP rs864321644, ClinGen allele CA279936.